The following is an entry in ClinVar:

ClinVar aggregate classification (germline): Benign. Review status: reviewed by expert panel (3 of 4 stars). 18 submissions from 17 submitters: Benign (1). 17 of the submissions do not count toward it. Last evaluated 2019-06-18.

Conditions:
BRCA2-related disorder. Also called: BRCA2-related condition; BRCA2-related disorders. Identifiers: MedGen CN239275.
Hereditary cancer-predisposing syndrome. Also called: Neoplastic Syndromes, Hereditary; Hereditary neoplastic syndrome; Tumor predisposition; Hereditary Cancer Syndrome. Identifiers: Orphanet 140162, MedGen C0027672, MeSH D009386, MONDO:0015356.
Hereditary breast ovarian cancer syndrome. Also called: Hereditary breast and/or ovarian cancer syndrome; Breast and ovarian cancer; BRCA1- and BRCA2-Associated Hereditary Breast and Ovarian Cancer; Hereditary breast and ovarian cancer; Hereditary breast and ovarian cancer syndrome; Hereditary breast and ovarian cancer syndrome (HBOC). Identifiers: Orphanet 145, MedGen C0677776, MeSH D061325, MONDO:0003582. Disease mechanism: loss of function.
Fanconi anemia complementation group D1. Also called: BRCA2-Related Fanconi Anemia. Identifiers: Orphanet 319462, MedGen C1838457, MONDO:0011584, OMIM 605724.
Breast-ovarian cancer, familial, susceptibility to, 2 (BROVCA2). Also called: BRCA2 Hereditary Breast and Ovarian Cancer. Identifiers: Orphanet 145, MedGen C2675520, MONDO:0012933, OMIM 612555. Disease mechanism: loss of function.
Malignant tumor of breast. Also called: Cancer breast; Malignant breast neoplasm. Identifiers: MedGen C0006142, MONDO:0007254. Disease mechanism: loss of function.

Allele frequency attached by ClinVar (database versions not stated): ExAC 0.00003; gnomAD exomes 0.00006; TOPMed 0.00009; gnomAD 0.00011.
gnomAD v4.1: 117 of 1,613,776 alleles (0.0073%); highest among the groups gnomAD compares: Admixed American, 0.013%; no homozygotes.

Submissions 1 to 17 of 18:

Evidence-based Network for the Interpretation of Germline Mutant Alleles (ENIGMA)
Classification: Benign for Breast-ovarian cancer, familial, susceptibility to, 2. Last evaluated: 2019-06-18. Review status: reviewed by expert panel. Criteria: ENIGMA BRCA1/2 Classification Criteria (2017-06-29). Collection method: curation. Allele origin: germline.
Comment: IARC class based on posterior probability from multifactorial likelihood analysis, thresholds for class as per Plon et al. 2008 (PMID: 18951446). Class 1 based on posterior probability = 0.000013

Labcorp Genetics (formerly Invitae), Labcorp
Classification: Benign for Hereditary breast ovarian cancer syndrome. Last evaluated: 2026-01-28. Review status: criteria provided, single submitter. Criteria: Invitae Variant Classification Sherloc (09022015). Collection method: clinical testing. Allele origin: germline. Not counted in ClinVar's aggregate classification.

Center for Genomic Medicine, Rigshospitalet, Copenhagen University Hospital
Classification: Benign. Last evaluated: 2025-03-04. Review status: criteria provided, single submitter. Criteria: ACMG Guidelines, 2015. Collection method: clinical testing. Allele origin: germline. Not counted in ClinVar's aggregate classification.

Blueprint Genetics
Classification: Likely benign. Last evaluated: 2024-09-16. Review status: criteria provided, single submitter. Criteria: ACMG Guidelines, 2015. Collection method: clinical testing. Allele origin: germline. Not counted in ClinVar's aggregate classification.

Sema4
Classification: Likely benign for Hereditary cancer-predisposing syndrome. Last evaluated: 2020-12-22. Review status: criteria provided, single submitter. Criteria: Sema4 Curation Guidelines. Collection method: curation. Allele origin: germline. Not counted in ClinVar's aggregate classification.

Mendelics
Classification: Likely benign for Breast-ovarian cancer, familial, susceptibility to, 2. Last evaluated: 2019-05-28. Review status: criteria provided, single submitter. Criteria: Mendelics Assertion Criteria 2017. Collection method: clinical testing. Allele origin: unknown. Not counted in ClinVar's aggregate classification.

Illumina Laboratory Services, Illumina
Classification: Likely benign for Fanconi anemia complementation group D1. Last evaluated: 2017-04-28. Review status: criteria provided, single submitter. Criteria: ICSL Variant Classification Criteria 13 December 2019. Collection method: clinical testing. Allele origin: germline. Not counted in ClinVar's aggregate classification.
Comment: This variant was observed as part of a predisposition screen in an ostensibly healthy population. A literature search was performed for the gene, cDNA change, and amino acid change (where applicable). No publications were found based on this search. Allele frequency data from public databases allowed determination this variant is unlikely to cause disease. Therefore, this variant is classified as likely benign.

Illumina Laboratory Services, Illumina
Classification: Likely benign for Breast-ovarian cancer, familial, susceptibility to, 2. Last evaluated: 2017-04-28. Review status: criteria provided, single submitter. Criteria: ICSL Variant Classification Criteria 13 December 2019. Collection method: clinical testing. Allele origin: germline. Not counted in ClinVar's aggregate classification.
Comment: This variant was observed as part of a predisposition screen in an ostensibly healthy population. A literature search was performed for the gene, cDNA change, and amino acid change (where applicable). Publications were found based on this search. The evidence from the literature, in combination with allele frequency data from public databases where available, was sufficient to determine this variant is unlikely to cause disease. Therefore, this variant is classified as likely benign.

ARUP Laboratories, Molecular Genetics and Genomics, ARUP Laboratories
Classification: Benign. Last evaluated: 2016-10-14. Review status: criteria provided, single submitter. Criteria: ARUP Molecular Germline Variant Investigation Process. Collection method: clinical testing. Allele origin: germline. Not counted in ClinVar's aggregate classification.

Women's Health and Genetics/Laboratory Corporation of America, LabCorp
Classification: Benign. Last evaluated: 2016-04-07. Review status: criteria provided, single submitter. Criteria: LabCorp Variant Classification Summary - May 2015. Collection method: clinical testing. Allele origin: germline. Not counted in ClinVar's aggregate classification.
Comment: Variant Summary: The c.9501+9A>C variant is a BRCA2 intronic variant located at a position not widely known to affect splicing. 4/5 splicing prediction programs (via Alamut) suggest no significant effect on splicing, ESE finder predicts no change to binding motifs, and Mutation Taster predicts the variant to be a polymorphism. The observed allele frequency in controls including the large and diverse ExAC cohort is 4/121488(1/30372), which does not exceed the maximal expected alelle frequency for a pathogenic BRCA2 variant (1/1333). However, it has been reported to co-occur with several potentially pathogenic variant in BRCA2 (c.5909C>A, p.Ser1970X - UMD; BRCA2 c.5410_5411delGT (p.Val1804Lysfs) - BIC; BRCA2 c.9382C>T (p.Arg3128Ter) - BIC and BRCA1 IVS3+3A>C (Claes_2003). In addition, multiple reputable databases/clinical diagnostic labs (UMD, GeneDx, and SCRP) and publications (Lindor_2012 and Easton_2007) classify the variant as benign/neutral. Furthermore, functional studies from multiple independent publications report that the variant of interest does not affect splicing (Campos_2003, Claes_2003, Houdayer_2012, and Whiley_2011). Taken together, this BRCA2 intronic variant has been classified as Benign.

Color Diagnostics, LLC DBA Color Health
Classification: Benign for Hereditary cancer-predisposing syndrome. Last evaluated: 2015-07-22. Review status: criteria provided, single submitter. Criteria: ACMG Guidelines, 2015. Collection method: clinical testing. Allele origin: germline. Not counted in ClinVar's aggregate classification.

GeneDx
Classification: Benign. Last evaluated: 2014-08-07. Review status: criteria provided, single submitter. Criteria: GeneDx Variant Classification (06012015). Collection method: clinical testing. Allele origin: germline. Affected: yes. Not counted in ClinVar's aggregate classification.
Comment: This variant is considered likely benign or benign based on one or more of the following criteria: it is a conservative change, it occurs at a poorly conserved position in the protein, it is predicted to be benign by multiple in silico algorithms, and/or has population frequency not consistent with disease.

PreventionGenetics, part of Exact Sciences
Classification: Likely benign for BRCA2-related condition. Last evaluated: 2019-06-19. Review status: no assertion criteria provided. Collection method: clinical testing. Allele origin: germline. Not counted in ClinVar's aggregate classification.
Comment: This variant is classified as likely benign based on ACMG/AMP sequence variant interpretation guidelines (Richards et al. 2015 PMID: 25741868, with internal and published modifications).

Hereditary Cancer Genetics group, Vall d'Hebron Institute of Oncology
Classification: Benign for Hereditary breast and ovarian cancer syndrome. Last evaluated: 2019-03-01. Review status: no assertion criteria provided. Collection method: research. Allele origin: germline. Affected: no. Not counted in ClinVar's aggregate classification.

Counsyl
Classification: Likely benign for Breast-ovarian cancer, familial 2. Last evaluated: 2014-07-31. Review status: no assertion criteria provided. Collection method: literature only. Allele origin: unknown. Inheritance: Autosomal dominant inheritance. Not counted in ClinVar's aggregate classification.

Sharing Clinical Reports Project (SCRP)
Classification: Benign for Breast-ovarian cancer, familial 2. Last evaluated: 2008-10-06. Review status: no assertion criteria provided. Collection method: clinical testing. Allele origin: germline. Not counted in ClinVar's aggregate classification.

Breast Cancer Information Core (BIC) (BRCA2)
Classification: Uncertain significance for Breast-ovarian cancer, familial 2. Last evaluated: 2002-05-29. Review status: no assertion criteria provided. Collection method: clinical testing. Allele origin: germline. Affected: yes. Observed: 17 variant alleles. Not counted in ClinVar's aggregate classification.

NM_000059.4(BRCA2):c.9501+9A>C

Gene: BRCA2 (BRCA2 DNA repair associated; plus strand). Cytogenetic location: 13q13.1.
Variant type: single nucleotide variant.
Coding change: c.9501+9A>C on transcript NM_000059.4 (MANE Select); 9 bases into the intron after coding-DNA position 9501, A replaced by C.
Molecular consequence: intron variant.
Genome position (GRCh38, 1-based): chr13:32,394,942, A>C. VCF-style: chr13-32394942-A-C. GRCh37 (hg19) VCF-style: chr13-32969079-A-C.
Other names: IVS25+9A>C.
Identifiers: ClinVar variation 38243 (VCV000038243.40), dbSNP rs81002867, ClinGen allele CA026185.